The following is an entry in ClinVar:

ClinVar aggregate classification (germline): Uncertain significance (1 of 4 stars; one submission).

Conditions:
Severe combined immunodeficiency due to DCLRE1C deficiency (RS-SCID). Also called: SCID, AUTOSOMAL RECESSIVE, T CELL-NEGATIVE, B CELL-NEGATIVE, NK CELL-POSITIVE, WITH SENSITIVITY TO IONIZING RADIATION. Identifiers: Orphanet 275, MedGen C1865371, MONDO:0011225, OMIM 602450.

Allele frequency attached by ClinVar (database versions not stated): gnomAD exomes 0.00002; TOPMed 0.00002; ExAC 0.00002; gnomAD 0.00002.
gnomAD v4.1: 26 of 1,613,940 alleles (0.0016%); highest among the groups gnomAD compares: Non-Finnish European, 0.0022%; no homozygotes.

Submission:

Labcorp Genetics (formerly Invitae), Labcorp
Classification: Uncertain significance for Athabaskan severe combined immunodeficiency. Last evaluated: 2022-03-08. Review status: criteria provided, single submitter. Criteria: Invitae Variant Classification Sherloc (09022015). Collection method: clinical testing. Allele origin: germline.
Comment: This sequence change replaces glutamic acid, which is acidic and polar, with lysine, which is basic and polar, at codon 658 of the DCLRE1C protein (p.Glu658Lys). This variant is present in population databases (rs776446930, gnomAD 0.002%). This variant has not been reported in the literature in individuals affected with DCLRE1C-related conditions. Algorithms developed to predict the effect of missense changes on protein structure and function are either unavailable or do not agree on the potential impact of this missense change (SIFT: "Tolerated"; PolyPhen-2: "Possibly Damaging"; Align-GVGD: "Class C0"). In summary, the available evidence is currently insufficient to determine the role of this variant in disease. Therefore, it has been classified as a Variant of Uncertain Significance.

NM_001033855.3(DCLRE1C):c.1972G>A (p.Glu658Lys)

Gene: DCLRE1C (DNA cross-link repair 1C; minus strand). Cytogenetic location: 10p13.
Variant type: single nucleotide variant.
Coding change: c.1972G>A on transcript NM_001033855.3 (MANE Select); coding-DNA position 1972, G replaced by A.
Protein change: p.Glu658Lys; replaces glutamic acid 658 with lysine.
Molecular consequence: missense variant. On other transcripts: non-coding transcript variant (3), intron variant (3).
Genome position (GRCh38, 1-based): chr10:14,908,515, C>T on the plus strand (G>A on the coding strand, the complement: DCLRE1C is on the minus strand). VCF-style: chr10-14908515-C-T. GRCh37 (hg19) VCF-style: chr10-14950514-C-T.
Other names: c.1612G>A, p.Glu538Lys (NM_001033857.3, NM_001033858.3, NM_001289077.2 and 1 more transcripts); c.1627G>A, p.Glu543Lys (NM_001289076.2, NM_001289078.2, NM_022487.4); c.1437+190G>A (NM_001350966.2); c.1782+190G>A (NM_001350965.2); c.1422+190G>A (NM_001350967.2); short protein forms E658K, E538K, E543K.
Identifiers: ClinVar variation 2071145 (VCV002071145.1), dbSNP rs776446930, ClinGen allele CA5416359.